The following is an entry in ClinVar:

ClinVar aggregate classification (germline): Uncertain significance (1 of 4 stars; one submission).

Allele frequency attached by ClinVar (database versions not stated): gnomAD exomes 0.00001.
gnomAD v4.1: 8 of 1,595,314 alleles (0.0005%); highest among the groups gnomAD compares: Admixed American, 0.0067%; no homozygotes.

Submission:

Labcorp Genetics (formerly Invitae), Labcorp
Classification: Uncertain significance. Last evaluated: 2022-09-01. Review status: criteria provided, single submitter. Criteria: Invitae Variant Classification Sherloc (09022015). Collection method: clinical testing. Allele origin: germline.
Comment: Advanced modeling of protein sequence and biophysical properties (such as structural, functional, and spatial information, amino acid conservation, physicochemical variation, residue mobility, and thermodynamic stability) performed at Invitae indicates that this missense variant is not expected to disrupt COMP protein function. In summary, the available evidence is currently insufficient to determine the role of this variant in disease. Therefore, it has been classified as a Variant of Uncertain Significance. This variant has not been reported in the literature in individuals affected with COMP-related conditions. This sequence change replaces threonine, which is neutral and polar, with methionine, which is neutral and non-polar, at codon 119 of the COMP protein (p.Thr119Met). The frequency data for this variant in the population databases is considered unreliable, as metrics indicate poor data quality at this position in the gnomAD database.

NM_000095.3(COMP):c.356C>T (p.Thr119Met)

Gene: COMP (cartilage oligomeric matrix protein; minus strand). Cytogenetic location: 19p13.11.
Variant type: single nucleotide variant.
Coding change: c.356C>T on transcript NM_000095.3 (MANE Select); coding-DNA position 356, C replaced by T.
Protein change: p.Thr119Met; replaces threonine 119 with methionine.
Molecular consequence: missense variant.
Genome position (GRCh38, 1-based): chr19:18,789,976, G>A on the plus strand (C>T on the coding strand, the complement: COMP is on the minus strand). VCF-style: chr19-18789976-G-A. GRCh37 (hg19) VCF-style: chr19-18900785-G-A.
Other names: short protein forms T119M.
Identifiers: ClinVar variation 1921350 (VCV001921350.5), dbSNP rs1292218782, ClinGen allele CA404898345.